The following is an entry in ClinVar:

ClinVar aggregate classification (germline): Pathogenic (1 of 4 stars; one submission).

Conditions:
Familial thoracic aortic aneurysm and aortic dissection (TAAD). Also called: Thoracic aortic aneurysms and dissections. Identifiers: Orphanet 91387, MedGen C4707243, MONDO:0019625.
Marfan syndrome (MFS). Also called: MARFAN SYNDROME, TYPE I; Marfan syndrome type 1; Marfan's syndrome; Marfan syndrome, classic; FBN1-Related Marfan Syndrome. Identifiers: Orphanet 284963, Orphanet 558, MedGen C0024796, MONDO:0007947, OMIM 154700.

Submission:

Labcorp Genetics (formerly Invitae), Labcorp
Classification: Pathogenic for Marfan syndrome; Familial thoracic aortic aneurysm and aortic dissection. Last evaluated: 2022-07-19. Review status: criteria provided, single submitter. Criteria: Invitae Variant Classification Sherloc (09022015). Collection method: clinical testing. Allele origin: germline.
Comment: This sequence change creates a premature translational stop signal (p.Met1275Leufs*6) in the FBN1 gene. It is expected to result in an absent or disrupted protein product. Loss-of-function variants in FBN1 are known to be pathogenic (PMID: 17657824, 19293843). For these reasons, this variant has been classified as Pathogenic. This premature translational stop signal has been observed in individual(s) with clinical features of Marfan syndrome (PMID: 31830381). This variant is not present in population databases (gnomAD no frequency).

Literature cited by the submitters: PubMed 17657824; PubMed 19293843; PubMed 31830381.

NM_000138.5(FBN1):c.3823_3830del (p.Met1275fs)

Gene: FBN1 (fibrillin 1; minus strand). Cytogenetic location: 15q21.1.
Variant type: Deletion.
Coding change: c.3823_3830del on transcript NM_000138.5 (MANE Select); coding-DNA positions 3823 to 3830, 8 bases deleted (ATGAAGAC; older notation c.3823_3830delATGAAGAC).
Protein change: p.Met1275fs; shifts the reading frame from methionine 1275.
Molecular consequence: frameshift variant.
Genome position (GRCh38, 1-based): chr15:48,483,826-48,483,833, GTCTTCAT deleted on the plus strand (ATGAAGAC on the coding strand, the reverse complement: FBN1 is on the minus strand); deleting any 8 consecutive bases within chr15:48,483,826-48,483,840 gives the same sequence; the c. name uses the placement nearest the transcript's 3' end. VCF-style (leftmost placement, unchanged base first): chr15-48483825-AGTCTTCAT-A. GRCh37 (hg19) VCF-style: chr15-48776022-AGTCTTCAT-A.
Other names: c.3816_3823delTGAAGACA, p.Met1275Leufs (NM_001406716.1); short protein forms M1275fs.
Identifiers: ClinVar variation 1918044 (VCV001918044.5), dbSNP rs2505540666, ClinGen allele CA2580089557.